The following is an entry in ClinVar:

ClinVar aggregate classification (germline): Uncertain significance (1 of 4 stars; one submission).

Conditions:
Cardiovascular phenotype. Identifiers: MedGen CN230736.

Submission:

Ambry Genetics
Classification: Uncertain significance for Cardiovascular phenotype. Last evaluated: 2022-08-27. Review status: criteria provided, single submitter. Criteria: Ambry Variant Classification Scheme 2023. Collection method: clinical testing. Allele origin: germline.
Comment: The p.H3466Y variant (also known as c.10396C>T), located in coding exon 38 of the ANK2 gene, results from a C to T substitution at nucleotide position 10396. The histidine at codon 3466 is replaced by tyrosine, an amino acid with similar properties. This amino acid position is conserved. In addition, the in silico prediction for this alteration is inconclusive. Since supporting evidence is limited at this time, the clinical significance of this alteration remains unclear.

NM_001148.6(ANK2):c.10396C>T (p.His3466Tyr)

Gene: ANK2 (ankyrin 2; plus strand). Cytogenetic location: 4q26.
Variant type: single nucleotide variant.
Coding change: c.10396C>T on transcript NM_001148.6 (MANE Select); coding-DNA position 10396, C replaced by T.
Protein change: p.His3466Tyr; replaces histidine 3466 with tyrosine.
Molecular consequence: missense variant. On other transcripts: intron variant (68).
Genome position (GRCh38, 1-based): chr4:113,359,014, C>T. VCF-style: chr4-113359014-C-T. GRCh37 (hg19) VCF-style: chr4-114280170-C-T.
Other names: c.4271-1809C>T (NM_001386160.1); c.4376-1809C>T (NM_001354254.2); c.4397-1809C>T (NM_001354239.2, NM_001354252.2); c.4298-1809C>T (NM_001354272.2); c.4361-1809C>T (NM_001354244.2, NM_001354256.2, NM_001386161.1); c.4400-1809C>T (NM_001127493.3); c.4364-1809C>T (NM_001386143.1, NM_001354243.2, NM_001354255.2); c.4265-1809C>T (NM_001354262.2, NM_001354275.2, NM_001354245.2); and 35 more; short protein forms H3505Y, H3513Y, H2266Y, H3388Y, H3466Y.
Identifiers: ClinVar variation 1773390 (VCV001773390.2), dbSNP rs2506046291, ClinGen allele CA357940316.
Genomic context (GRCh38, chr4:113,359,014, plus strand): 5'-AGCAGAAGCACTACATCTTCCTGCAGGGGGGGCACGAGCCCCACAAAAGAAAGTAAGGAG[C>T]ATTTCTTTGACCTTTACAGAAATTCCATAGAATTCTTTGAGGAGATTAGTGATGAGGCTT-3'
Protein context (NP_001139.3, residues 3456-3476): GTSPTKESKE[His3466Tyr]FFDLYRNSIE